The following is an entry in ClinVar:

NM_000379.4(XDH):c.2164A>T (p.Lys722Ter)

Gene: XDH (xanthine dehydrogenase; minus strand). Cytogenetic location: 2p23.1.
Variant type: single nucleotide variant.
Coding change: c.2164A>T on transcript NM_000379.4 (MANE Select); coding-DNA position 2164, A replaced by T.
Protein change: p.Lys722Ter; replaces lysine 722 with a stop codon.
Molecular consequence: nonsense.
Genome position (GRCh38, 1-based): chr2:31,367,994, T>A on the plus strand (A>T on the coding strand, the complement: XDH is on the minus strand). VCF-style: chr2-31367994-T-A. GRCh37 (hg19) VCF-style: chr2-31590860-T-A.
Other names: short protein forms K722*.
Identifiers: ClinVar variation 1369362 (VCV001369362.8), dbSNP rs72549367, ClinGen allele CA44732961.

ClinVar aggregate classification (germline): Pathogenic. Review status: criteria provided, multiple submitters, no conflicts (2 of 4 stars). 3 submissions from 3 submitters: Pathogenic (3). Last evaluated 2025-09-03.

Conditions:
Xanthinuria type II. Also called: Xanthine dehydrogenase and aldehyde oxidase combined deficiency of; XDH and AOX dual deficiency. Identifiers: Orphanet 3467, Orphanet 93602, MedGen C1863688, MONDO:0011346, OMIM 603592.
Hereditary xanthinuria type 1 (XAN1). Identifiers: Orphanet 3467, Orphanet 93601, MedGen C0268118, MONDO:0010209, OMIM 278300.

Allele frequency attached by ClinVar (database versions not stated): gnomAD 0.00004; gnomAD exomes 0.00001; ESP Exome Variant Server 0.00008; TOPMed 0.00002.
gnomAD v4.1: 17 of 1,614,032 alleles (0.0011%); highest among the groups gnomAD compares: Admixed American, 0.017%; no homozygotes.

Submissions (3):

Labcorp Genetics (formerly Invitae), Labcorp
Classification: Pathogenic for Xanthinuria type II. Last evaluated: 2025-09-03. Review status: criteria provided, single submitter. Criteria: Invitae Variant Classification Sherloc (09022015). Collection method: clinical testing. Allele origin: germline.
Comment: This sequence change creates a premature translational stop signal (p.Lys722*) in the XDH gene. It is expected to result in an absent or disrupted protein product. Loss-of-function variants in XDH are known to be pathogenic (PMID: 9153281). This variant is present in population databases (rs72549367, gnomAD 0.009%). This premature translational stop signal has been observed in individual(s) with xanthinuria (PMID: 32071838). ClinVar contains an entry for this variant (Variation ID: 1369362). Algorithms developed to predict the effect of sequence changes on RNA splicing suggest that this variant may disrupt the consensus splice site. For these reasons, this variant has been classified as Pathogenic.

Dasa
Classification: Pathogenic. Last evaluated: 2024-06-26. Review status: criteria provided, single submitter. Criteria: DASA Assertion Criteria. Collection method: clinical testing. Allele origin: germline.
Comment: NM_000379.4(XDH):c.2164A>T (p.Lys722*) introduces a premature termination codon predicted to result in loss of normal protein function. Loss-of-function is an established mechanism of disease for this gene. This variant has been reported in individuals with related phenotype (PMID: 32071838). The variant is present at low frequency in population datasets. Based on the available data, this variant is classified as pathogenic.

Fulgent Genetics
Classification: Pathogenic for Hereditary xanthinuria type 1. Last evaluated: 2022-05-24. Review status: criteria provided, single submitter. Criteria: ACMG Guidelines, 2015. Collection method: clinical testing. Allele origin: unknown.

Literature cited by the submitters: PubMed 9153281 (cited by Labcorp Genetics (formerly Invitae), Labcorp); PubMed 32071838 (cited by Labcorp Genetics (formerly Invitae), Labcorp and Dasa).